The following is an entry in ClinVar:

NM_003183.6(ADAM17):c.2411A>G (p.Glu804Gly)

Genes: ADAM17 (ADAM metallopeptidase domain 17; minus strand), IAH1 (isoamyl acetate hydrolyzing esterase 1 (putative); plus strand). Cytogenetic location: 2p25.1.
Variant type: single nucleotide variant.
Coding change: c.2411A>G on transcript NM_003183.6 (MANE Select); coding-DNA position 2411, A replaced by G.
Protein change: p.Glu804Gly; replaces glutamic acid 804 with glycine.
Molecular consequence: missense variant.
Genome position (GRCh38, 1-based): chr2:9,490,241, T>C on the plus strand (A>G on the coding strand, the complement: ADAM17 is on the minus strand). VCF-style: chr2-9490241-T-C. GRCh37 (hg19) VCF-style: chr2-9630370-T-C.
Other names: c.1751A>G, p.Glu584Gly (NM_001382777.1); c.1514A>G, p.Glu505Gly (NM_001382778.1); short protein forms E505G, E584G, E804G.
Identifiers: ClinVar variation 2127739 (VCV002127739.4), dbSNP rs1008774991, ClinGen allele CA345794220.

ClinVar aggregate classification (germline): Uncertain significance (1 of 4 stars; one submission).

Conditions:
Inflammatory skin and bowel disease, neonatal, 1. Identifiers: Orphanet 294023, MedGen C3280501, MONDO:0013693, OMIM 614328.

Submission:

Labcorp Genetics (formerly Invitae), Labcorp
Classification: Uncertain significance for Inflammatory skin and bowel disease, neonatal, 1. Last evaluated: 2022-04-18. Review status: criteria provided, single submitter. Criteria: Invitae Variant Classification Sherloc (09022015). Collection method: clinical testing. Allele origin: germline.
Comment: This sequence change replaces glutamic acid, which is acidic and polar, with glycine, which is neutral and non-polar, at codon 804 of the ADAM17 protein (p.Glu804Gly). This variant is not present in population databases (gnomAD no frequency). This variant has not been reported in the literature in individuals affected with ADAM17-related conditions. Algorithms developed to predict the effect of missense changes on protein structure and function are either unavailable or do not agree on the potential impact of this missense change (SIFT: "Not Available"; PolyPhen-2: "Benign"; Align-GVGD: "Not Available"). In summary, the available evidence is currently insufficient to determine the role of this variant in disease. Therefore, it has been classified as a Variant of Uncertain Significance.